The following is an entry in ClinVar:

ClinVar aggregate classification (germline): Pathogenic. Review status: criteria provided, single submitter (1 of 4 stars). 2 submissions from 2 submitters: Pathogenic (1). 1 of the submissions does not count toward it. Last evaluated 2019-11-04.

Conditions:
Primary hyperoxaluria. Identifiers: Orphanet 416, MedGen C0020501, MONDO:0002474.
Primary hyperoxaluria, type I (HP1). Also called: GLYCOLIC ACIDURIA; HEPATIC AGT DEFICIENCY; OXALOSIS I; Primary hyperoxaluria type 1. Identifiers: Orphanet 416, Orphanet 93598, MedGen C0268164, MONDO:0009823, OMIM 259900. Disease mechanism: loss of function.

gnomAD v4.1: 1 of 1,586,436 alleles (0.000063%); highest among the groups gnomAD compares: Non-Finnish European, 0.000086%; no homozygotes.

Submissions (2):

Women's Health and Genetics/Laboratory Corporation of America, LabCorp
Classification: Pathogenic for Primary hyperoxaluria. Last evaluated: 2019-11-04. Review status: criteria provided, single submitter. Criteria: LabCorp Variant Classification Summary - May 2015. Collection method: clinical testing. Allele origin: germline.
Comment: Variant summary: AGXT c.519C>A (p.Cys173X) results in a premature termination codon, predicted to cause a truncation of the encoded protein or absence of the protein due to nonsense mediated decay, which are commonly known mechanisms for disease. Truncations downstream of this position have been classified as pathogenic by our laboratory. The variant allele was found at a frequency of 9.9e-06 in 201644 control chromosomes. c.519C>A has been reported in the literature in at-least one individual affected with Primary Hyperoxaluria Type 1 (example, Van Woerden_2004) and has been cited in subsequent published reports. To our knowledge, no experimental evidence demonstrating an impact on protein function has been reported. No clinical diagnostic laboratories have submitted clinical-significance assessments for this variant to ClinVar after 2014. One submitter has classified the variant as pathogenic before 2014, citing the primary report utilized in the context of this evaluation. Based on the well understood etiology of loss of function variants in the pathophysiology of Primary Hyperoxaluria and the evidence outlined above, the variant was classified as pathogenic.

Clinical Biochemistry Laboratory, Health Services Laboratory
Classification: Pathogenic for Primary hyperoxaluria, type I. Last evaluated: 2014-11-27. Review status: no assertion criteria provided. Collection method: research. Allele origin: germline. Affected: yes. Not counted in ClinVar's aggregate classification.

Literature cited by the submitters: PubMed 15253729 (cited by Women's Health and Genetics/Laboratory Corporation of America, LabCorp and Clinical Biochemistry Laboratory, Health Services Laboratory).

NM_000030.3(AGXT):c.519C>A (p.Cys173Ter)

Gene: AGXT (alanine--glyoxylate aminotransferase; plus strand). Cytogenetic location: 2q37.3.
Variant type: single nucleotide variant.
Coding change: c.519C>A on transcript NM_000030.3 (MANE Select); coding-DNA position 519, C replaced by A.
Protein change: p.Cys173Ter; replaces cysteine 173 with a stop codon.
Molecular consequence: nonsense.
Genome position (GRCh38, 1-based): chr2:240,871,444, C>A. VCF-style: chr2-240871444-C-A. GRCh37 (hg19) VCF-style: chr2-241810861-C-A.
Other names: short protein forms C173*.
Identifiers: ClinVar variation 204109 (VCV000204109.3), dbSNP rs180177232, ClinGen allele CA275704.
Genomic context (GRCh38, chr2:240,871,444, plus strand): 5'-AACCCACGGGGAGTCGTCCACCGGCGTGCTGCAGCCCCTTGATGGCTTCGGGGAACTCTG[C>A]CACAGGTGAGCCTGGCCCCAGGGCGGTGGACTGGAGCACAGCTCAGAGCCAGGCTATGGG-3'